The following is an entry in ClinVar:

ClinVar aggregate classification (germline): Uncertain significance. Review status: criteria provided, multiple submitters, no conflicts (2 of 4 stars). 3 submissions from 3 submitters: Uncertain significance (3). Last evaluated 2025-06-25.

Conditions:
Hereditary cancer-predisposing syndrome. Also called: Tumor predisposition; Neoplastic Syndromes, Hereditary; Hereditary neoplastic syndrome; Hereditary Cancer Syndrome. Identifiers: Orphanet 140162, MedGen C0027672, MeSH D009386, MONDO:0015356.
Familial adenomatous polyposis 1 (FAP1). Also called: POLYPOSIS, ADENOMATOUS INTESTINAL; FAMILIAL ADENOMATOUS POLYPOSIS 1, ATTENUATED. Identifiers: MedGen C2713442, MONDO:0021056, OMIM 175100. Disease mechanism: loss of function.

Allele frequency attached by ClinVar (database versions not stated): TOPMed 0.00001.

Submissions (3):

Labcorp Genetics (formerly Invitae), Labcorp
Classification: Uncertain significance for Familial adenomatous polyposis 1. Last evaluated: 2025-06-25. Review status: criteria provided, single submitter. Criteria: Invitae Variant Classification Sherloc (09022015). Collection method: clinical testing. Allele origin: germline.
Comment: This sequence change replaces aspartic acid, which is acidic and polar, with valine, which is neutral and non-polar, at codon 1519 of the APC protein (p.Asp1519Val). This variant is not present in population databases (gnomAD no frequency). This variant has not been reported in the literature in individuals affected with APC-related conditions. ClinVar contains an entry for this variant (Variation ID: 630799). Invitae Evidence Modeling of protein sequence and biophysical properties (such as structural, functional, and spatial information, amino acid conservation, physicochemical variation, residue mobility, and thermodynamic stability) indicates that this missense variant is not expected to disrupt APC protein function with a negative predictive value of 95%. In summary, the available evidence is currently insufficient to determine the role of this variant in disease. Therefore, it has been classified as a Variant of Uncertain Significance.

Ambry Genetics
Classification: Uncertain significance for Hereditary cancer-predisposing syndrome. Last evaluated: 2025-04-18. Review status: criteria provided, single submitter. Criteria: Ambry Variant Classification Scheme 2023. Collection method: clinical testing. Allele origin: germline.
Comment: The p.D1519V variant (also known as c.4556A>T), located in coding exon 15 of the APC gene, results from an A to T substitution at nucleotide position 4556. The aspartic acid at codon 1519 is replaced by valine, an amino acid with highly dissimilar properties. This amino acid position is conserved. In addition, in silico predictors for this gene do not accurately predict pathogenicity. Based on the available evidence, the clinical significance of this variant remains unclear.

Color Diagnostics, LLC DBA Color Health
Classification: Uncertain significance for Hereditary cancer-predisposing syndrome. Last evaluated: 2023-12-04. Review status: criteria provided, single submitter. Criteria: ACMG Guidelines, 2015. Collection method: clinical testing. Allele origin: germline.
Comment: This missense variant replaces aspartic acid with valine at codon 1519 of the APC protein. Computational prediction is inconclusive regarding the impact of this variant on protein structure and function (internally defined REVEL score threshold 0.5 < inconclusive < 0.7, PMID: 27666373). To our knowledge, functional studies have not been reported for this variant. This variant has not been reported in individuals affected with APC-related disorders in the literature. This variant has not been identified in the general population by the Genome Aggregation Database (gnomAD). The available evidence is insufficient to determine the role of this variant in disease conclusively. Therefore, this variant is classified as a Variant of Uncertain Significance.

NM_000038.6(APC):c.4556A>T (p.Asp1519Val)

Gene: APC (APC regulator of Wnt signaling pathway; plus strand). Cytogenetic location: 5q22.2.
Variant type: single nucleotide variant.
Coding change: c.4556A>T on transcript NM_000038.6 (MANE Select); coding-DNA position 4556, A replaced by T.
Protein change: p.Asp1519Val; replaces aspartic acid 1519 with valine.
Molecular consequence: missense variant.
Genome position (GRCh38, 1-based): chr5:112,840,150, A>T. VCF-style: chr5-112840150-A-T. GRCh37 (hg19) VCF-style: chr5-112175847-A-T.
Other names: c.4556A>T, p.Asp1519Val (NM_001127510.3, NM_001354895.2); c.4502A>T, p.Asp1501Val (NM_001127511.3); c.4610A>T, p.Asp1537Val (NM_001354896.2); c.4586A>T, p.Asp1529Val (NM_001354897.2); c.4481A>T, p.Asp1494Val (NM_001354898.2); c.4472A>T, p.Asp1491Val (NM_001354899.2); c.4433A>T, p.Asp1478Val (NM_001354900.2); c.4379A>T, p.Asp1460Val (NM_001354901.2); and 5 more; short protein forms D1519V, D1501V, D1359V, D1428V, D1236V, D1393V, D1418V, D1460V.
Identifiers: ClinVar variation 630799 (VCV000630799.9), dbSNP rs1245649089, ClinGen allele CA16031306.